The following is an entry in ClinVar:

NM_007194.4(CHEK2):c.53G>A (p.Cys18Tyr)

Gene: CHEK2 (checkpoint kinase 2; minus strand). Cytogenetic location: 22q12.1.
Variant type: single nucleotide variant.
Coding change: c.53G>A on transcript NM_007194.4 (MANE Select); coding-DNA position 53, G replaced by A.
Protein change: p.Cys18Tyr; replaces cysteine 18 with tyrosine.
Molecular consequence: missense variant.
Genome position (GRCh38, 1-based): chr22:28,734,669, C>T on the plus strand (G>A on the coding strand, the complement: CHEK2 is on the minus strand). VCF-style: chr22-28734669-C-T. GRCh37 (hg19) VCF-style: chr22-29130657-C-T.
Other names: c.53G>A, p.Cys18Tyr (NM_001005735.3, NM_001349956.3, NM_145862.3); c.-725G>A (NM_001257387.3); short protein forms C18Y.
Identifiers: ClinVar variation 940129 (VCV000940129.16), dbSNP rs151218932, ClinGen allele CA10168081.
Genomic context (GRCh38, chr22:28,734,669, plus strand): 5'-ATGCCCTGGGACTGTGAGGAGGAGCCTTGGGACTGGGTAACGCTGCCATGGGGCTGTGAA[C>T]AGGCACTGCTGCCATGAGACTGCTGAGCCTCAACATCCGACTCCCGAGACATCACGACCT-3'
Protein context (NP_009125.1, residues 8-28): EAQQSHGSSA[Cys18Tyr]SQPHGSVTQS

ClinVar aggregate classification (germline): Uncertain significance. Review status: criteria provided, multiple submitters, no conflicts (2 of 4 stars). 5 submissions from 5 submitters: Uncertain significance (5). Last evaluated 2025-07-14.

Conditions:
Familial cancer of breast. Also called: Hereditary breast cancer; BREAST CANCER, FAMILIAL; hereditary breast carcinoma. Identifiers: Orphanet 227535, MedGen C0346153, MONDO:0016419, OMIM 114480. Disease mechanism: loss of function.
Hereditary cancer-predisposing syndrome. Also called: Hereditary neoplastic syndrome; Hereditary Cancer Syndrome; Neoplastic Syndromes, Hereditary; Tumor predisposition. Identifiers: Orphanet 140162, MedGen C0027672, MeSH D009386, MONDO:0015356.

Allele frequency attached by ClinVar (database versions not stated): 1000 Genomes Project below 0.00001; gnomAD exomes below 0.00001; ExAC 0.00001; 1000 Genomes Project 30x 0.00016.
gnomAD v4.1: 1 of 1,613,878 alleles (0.000062%); highest among the groups gnomAD compares: East Asian, 0.0022%; no homozygotes.

Submissions (5):

Dasa
Classification: Uncertain significance. Last evaluated: 2025-07-14. Review status: criteria provided, single submitter. Criteria: DASA Assertion Criteria. Collection method: clinical testing. Allele origin: germline.
Comment: NM_007194.4(CHEK2):c.53G>A (p.Cys18Tyr) is a missense variant that results in the substitution of cysteine with tyrosine. This variant is rare in population databases. Computational prediction algorithms are consistent with a benign effect. The currently available literature and clinical evidence are not sufficient to establish a definitive association between this variant and the reported condition. Therefore, this variant is classified as a variant of uncertain significance.

Ambry Genetics
Classification: Uncertain significance for Hereditary cancer-predisposing syndrome. Last evaluated: 2024-03-20. Review status: criteria provided, single submitter. Criteria: Ambry Variant Classification Scheme 2023. Collection method: clinical testing. Allele origin: germline.
Comment: The p.C18Y variant (also known as c.53G>A), located in coding exon 1 of the CHEK2 gene, results from a G to A substitution at nucleotide position 53. The cysteine at codon 18 is replaced by tyrosine, an amino acid with highly dissimilar properties. This amino acid position is not well conserved in available vertebrate species. In addition, the in silico prediction for this alteration is inconclusive. Since supporting evidence is limited at this time, the clinical significance of this alteration remains unclear.

Blueprint Genetics
Classification: Uncertain significance. Last evaluated: 2024-03-20. Review status: criteria provided, single submitter. Criteria: ACMG Guidelines, 2015. Collection method: clinical testing. Allele origin: germline.

Labcorp Genetics (formerly Invitae), Labcorp
Classification: Uncertain significance for Familial cancer of breast. Last evaluated: 2023-08-17. Review status: criteria provided, single submitter. Criteria: Invitae Variant Classification Sherloc (09022015). Collection method: clinical testing. Allele origin: germline.
Comment: In summary, the available evidence is currently insufficient to determine the role of this variant in disease. Therefore, it has been classified as a Variant of Uncertain Significance. An algorithm developed to predict the effect of missense changes on protein structure and function (PolyPhen-2) suggests that this variant is likely to be tolerated. ClinVar contains an entry for this variant (Variation ID: 940129). This variant has not been reported in the literature in individuals affected with CHEK2-related conditions. This variant is present in population databases (rs151218932, gnomAD 0.006%). This sequence change replaces cysteine, which is neutral and slightly polar, with tyrosine, which is neutral and polar, at codon 18 of the CHEK2 protein (p.Cys18Tyr).

Color Diagnostics, LLC DBA Color Health
Classification: Uncertain significance for Hereditary cancer-predisposing syndrome. Last evaluated: 2021-11-12. Review status: criteria provided, single submitter. Criteria: ACMG Guidelines, 2015. Collection method: clinical testing. Allele origin: germline.
Comment: This missense variant replaces cysteine with tyrosine at codon 18 of the CHEK2 protein. Computational prediction suggests that this variant may not impact protein structure and function (internally defined REVEL score threshold <= 0.5, PMID: 27666373). To our knowledge, functional studies have not been reported for this variant. This variant has not been reported in individuals affected with hereditary cancer in the literature. This variant has been identified in 1/247274 chromosomes in the general population by the Genome Aggregation Database (gnomAD). The available evidence is insufficient to determine the role of this variant in disease conclusively. Therefore, this variant is classified as a Variant of Uncertain Significance.